The following is an entry in ClinVar:

ClinVar aggregate classification (germline): Conflicting classifications of pathogenicity. Review status: criteria provided, conflicting classifications (1 of 4 stars). 4 submissions from 4 submitters: Uncertain significance (1); Benign (1); Likely benign (2). Last evaluated 2025-08-19.

Conditions:
Hereditary cancer-predisposing syndrome. Also called: Tumor predisposition; Hereditary Cancer Syndrome; Hereditary neoplastic syndrome; Neoplastic Syndromes, Hereditary. Identifiers: Orphanet 140162, MedGen C0027672, MeSH D009386, MONDO:0015356.
Familial adenomatous polyposis 2. Also called: COLORECTAL ADENOMATOUS POLYPOSIS, AUTOSOMAL RECESSIVE; MUTYH Polyposis; MUTYH-associated polyposis; MUTYH-related attenuated familial adenomatous polyposis; Adenomas, multiple colorectal; ADENOMAS, MULTIPLE COLORECTAL, AUTOSOMAL RECESSIVE. Identifiers: Orphanet 220460, Orphanet 247798, MedGen C3272841, MONDO:0012041, OMIM 608456.

Allele frequency attached by ClinVar (database versions not stated): ExAC 0.00001; gnomAD 0.00001; gnomAD exomes below 0.00001; TOPMed below 0.00001.

Submissions (4):

Color Diagnostics, LLC DBA Color Health
Classification: Uncertain significance for Hereditary cancer-predisposing syndrome. Last evaluated: 2025-08-19. Review status: criteria provided, single submitter. Criteria: ACMG Guidelines, 2015. Collection method: clinical testing. Allele origin: germline.
Comment: This variant causes an A to G nucleotide substitution at the +3 position of intron 7 of the MUTYH gene. To our knowledge, RNA studies have not been reported for this variant. This variant has not been reported in individuals affected with MUTYH-related disorders in the literature. This variant has been identified in 1/251488 chromosomes in the general population by the Genome Aggregation Database (gnomAD). The available evidence is insufficient to determine the role of this variant in disease conclusively. Therefore, this variant is classified as a Variant of Uncertain Significance.

Labcorp Genetics (formerly Invitae), Labcorp
Classification: Likely benign for Familial adenomatous polyposis 2. Last evaluated: 2025-06-24. Review status: criteria provided, single submitter. Criteria: Invitae Variant Classification Sherloc (09022015). Collection method: clinical testing. Allele origin: germline.

Ambry Genetics
Classification: Likely benign for Hereditary cancer-predisposing syndrome. Last evaluated: 2019-11-25. Review status: criteria provided, single submitter. Criteria: Ambry Variant Classification Scheme 2023. Collection method: clinical testing. Allele origin: germline.

GeneDx
Classification: Benign. Last evaluated: 2015-03-03. Review status: criteria provided, single submitter. Criteria: GeneDx Variant Classification Process June 2021. Collection method: clinical testing. Allele origin: germline. Affected: yes.

NM_001048174.2(MUTYH):c.492+3A>G

Gene: MUTYH (mutY DNA glycosylase; minus strand). Cytogenetic location: 1p34.1.
Variant type: single nucleotide variant.
Coding change: c.492+3A>G on transcript NM_001048174.2 (MANE Select); 3 bases into the intron after coding-DNA position 492, A replaced by G.
Molecular consequence: intron variant.
Genome position (GRCh38, 1-based): chr1:45,332,760, T>C on the plus strand (A>G on the coding strand, the complement: MUTYH is on the minus strand). VCF-style: chr1-45332760-T-C. GRCh37 (hg19) VCF-style: chr1-45798432-T-C.
Other names: c.147+3A>G (NM_001350651.2, NM_001350650.2); c.216+3A>G (NM_001293192.2, NM_001293196.2); c.492+3A>G (NM_001048171.2, NM_001048173.2, NM_001293195.2); c.537+3A>G (NM_001293190.2); c.567+3A>G (NM_012222.3); c.576+3A>G (NM_001128425.2); c.495+3A>G (NM_001048172.2); c.525+3A>G (NM_001293191.2).
Identifiers: ClinVar variation 406860 (VCV000406860.24), dbSNP rs765792042, ClinGen allele CA058305.